The following is an entry in ClinVar:

NM_138368.5(AP5B1):c.2191C>T (p.Arg731Ter)

Gene: AP5B1 (adaptor related protein complex 5 subunit beta 1; minus strand). Cytogenetic location: 11q13.1.
Variant type: single nucleotide variant.
Coding change: c.2191C>T on transcript NM_138368.5 (MANE Select); coding-DNA position 2191, C replaced by T.
Protein change: p.Arg731Ter; replaces arginine 731 with a stop codon.
Molecular consequence: nonsense.
Genome position (GRCh38, 1-based): chr11:65,778,302, G>A on the plus strand (C>T on the coding strand, the complement: AP5B1 is on the minus strand). VCF-style: chr11-65778302-G-A. GRCh37 (hg19) VCF-style: chr11-65545773-G-A.
Other names: NC_000011.9:g.65545773G>A I NP_612377.4:p.(Arg731*); short protein forms R731*.
Identifiers: ClinVar variation 4291112 (VCV004291112.2).

ClinVar aggregate classification (germline): Pathogenic/Likely pathogenic. Review status: criteria provided, multiple submitters, no conflicts (2 of 4 stars). 2 submissions from 2 submitters: Pathogenic (1); Likely pathogenic (1). Last evaluated 2026-06-01.

Conditions:
Macular dystrophy with variable extraocular manifestations.
AP5B1-associated macular dystrophy.

gnomAD v4.1: 23 of 1,612,828 alleles (0.0014%); highest among the groups gnomAD compares: Middle Eastern, 0.033%; no homozygotes.

Submissions (2):

Ophthalmic Genetics Group, Institute of Molecular and Clinical Ophthalmology Basel
Classification: Likely pathogenic for Macular dystrophy with variable extraocular manifestations. Last evaluated: 2026-06-01. Review status: criteria provided, single submitter. Criteria: ACMG Guidelines, 2015. Collection method: research. Allele origin: germline. Affected: yes. Observed: 1 variant allele.
Comment: This stopgain variant introduces a premature termination codon at amino acid position 731. Because the variant is located in the last exon of AP5B1, it is expected to escape nonsense-mediated mRNA decay and produce a truncated protein lacking the final 148 amino acids of the normal 878-amino-acid sequence. The variant has a very low population frequency in gnomAD v4.1, with no homozygous individuals reported. Therefore, it was classified as Likely pathogenic based on ACMG/AMP criteria: PVS1_strong, PM3_mod, PM2_sup, PP4_sup.

Institute of Human Genetics, University of Leipzig Medical Center
Classification: Pathogenic for AP5B1-associated macular dystrophy. Last evaluated: 2025-09-23. Review status: criteria provided, single submitter. Criteria: ACMG Guidelines, 2015. Collection method: clinical testing. Allele origin: unknown. Inheritance: Autosomal recessive inheritance. Affected: yes.
Comment: Criteria applied: PVS1,PM2

Literature cited by the submitters: PubMed 40081374 (cited by Institute of Human Genetics, University of Leipzig Medical Center).